The following is an entry in ClinVar:

NM_001372.4(DNAH9):c.11813A>G (p.Gln3938Arg)

Gene: DNAH9 (dynein axonemal heavy chain 9; plus strand). Cytogenetic location: 17p12.
Variant type: single nucleotide variant.
Coding change: c.11813A>G on transcript NM_001372.4 (MANE Select); coding-DNA position 11813, A replaced by G.
Protein change: p.Gln3938Arg; replaces glutamine 3938 with arginine.
Molecular consequence: missense variant.
Genome position (GRCh38, 1-based): chr17:11,923,877, A>G. VCF-style: chr17-11923877-A-G. GRCh37 (hg19) VCF-style: chr17-11827194-A-G.
Other names: c.749A>G, p.Gln250Arg (NM_004662.2); c.11813A>G (NM_001372.3); short protein forms Q3938R, Q250R.
Identifiers: ClinVar variation 2177092 (VCV002177092.6), dbSNP rs768772695, ClinGen allele CA8397958.

ClinVar aggregate classification (germline): Uncertain significance. Review status: criteria provided, multiple submitters, no conflicts (2 of 4 stars). 2 submissions from 2 submitters: Uncertain significance (2). Last evaluated 2024-04-03.

Conditions:
Inborn genetic diseases. Identifiers: MedGen C0950123, MeSH D030342.

Allele frequency attached by ClinVar (database versions not stated): TOPMed 0.00001; ExAC 0.00002; gnomAD exomes 0.00002; gnomAD 0.00003.
gnomAD v4.1: 31 of 1,614,024 alleles (0.0019%); highest among the groups gnomAD compares: Admixed American, 0.0033%; no homozygotes.

Submissions (2):

Labcorp Genetics (formerly Invitae), Labcorp
Classification: Uncertain significance. Last evaluated: 2024-04-03. Review status: criteria provided, single submitter. Criteria: Invitae Variant Classification Sherloc (09022015). Collection method: clinical testing. Allele origin: germline.
Comment: This sequence change replaces glutamine, which is neutral and polar, with arginine, which is basic and polar, at codon 3938 of the DNAH9 protein (p.Gln3938Arg). This variant is present in population databases (rs768772695, gnomAD 0.004%). This variant has not been reported in the literature in individuals affected with DNAH9-related conditions. ClinVar contains an entry for this variant (Variation ID: 2177092). Advanced modeling of protein sequence and biophysical properties (such as structural, functional, and spatial information, amino acid conservation, physicochemical variation, residue mobility, and thermodynamic stability) performed at Invitae indicates that this missense variant is expected to disrupt DNAH9 protein function with a positive predictive value of 80%. In summary, the available evidence is currently insufficient to determine the role of this variant in disease. Therefore, it has been classified as a Variant of Uncertain Significance.

Ambry Genetics
Classification: Uncertain significance for Inborn genetic diseases. Last evaluated: 2023-08-02. Review status: criteria provided, single submitter. Criteria: Ambry Variant Classification Scheme 2023. Collection method: clinical testing. Allele origin: germline.